The following is an entry in ClinVar:

NM_003047.5(SLC9A1):c.401T>C (p.Leu134Pro)

Gene: SLC9A1 (solute carrier family 9 member A1; minus strand). Cytogenetic location: 1p36.11.
Variant type: single nucleotide variant.
Coding change: c.401T>C on transcript NM_003047.5 (MANE Select); coding-DNA position 401, T replaced by C.
Protein change: p.Leu134Pro; replaces leucine 134 with proline.
Molecular consequence: missense variant.
Genome position (GRCh38, 1-based): chr1:27,114,238, A>G on the plus strand (T>C on the coding strand, the complement: SLC9A1 is on the minus strand). VCF-style: chr1-27114238-A-G. GRCh37 (hg19) VCF-style: chr1-27440729-A-G.
Other names: short protein forms L134P.
Identifiers: ClinVar variation 1704167 (VCV001704167.3), dbSNP rs2523152680, ClinGen allele CA339190941.

ClinVar aggregate classification (germline): Uncertain significance (1 of 4 stars; one submission).

Submission:

GeneDx
Classification: Uncertain significance. Last evaluated: 2026-01-07. Review status: criteria provided, single submitter. Criteria: GeneDx Variant Classification Process June 2021. Collection method: clinical testing. Allele origin: germline. Affected: yes.
Comment: Not observed at significant frequency in large population cohorts (gnomAD); In silico analysis supports that this missense variant has a deleterious effect on protein structure/function; Has not been previously published as pathogenic or benign to our knowledge